The following is an entry in ClinVar:

NM_013450.4(BAZ2B):c.199A>T (p.Ser67Cys)

Gene: BAZ2B (bromodomain adjacent to zinc finger domain 2B; minus strand). Cytogenetic location: 2q24.2.
Variant type: single nucleotide variant.
Coding change: c.199A>T on transcript NM_013450.4 (MANE Select); coding-DNA position 199, A replaced by T.
Protein change: p.Ser67Cys; replaces serine 67 with cysteine.
Molecular consequence: missense variant. On other transcripts: intron variant (1).
Genome position (GRCh38, 1-based): chr2:159,453,748, T>A on the plus strand (A>T on the coding strand, the complement: BAZ2B is on the minus strand). VCF-style: chr2-159453748-T-A. GRCh37 (hg19) VCF-style: chr2-160310259-T-A.
Other names: c.199A>T, p.Ser67Cys (NM_001289975.1, NM_001329858.2); c.146-5339A>T (NM_001329857.2); short protein forms S67C.
Identifiers: ClinVar variation 3900061 (VCV003900061.1).
Genomic context (GRCh38, chr2:159,453,748, plus strand): 5'-AATGCCCTGAGCTGGCTGAATGTAGACCAAAGACTGGGTGGCTGACCATTGGGAAGGCAC[T>A]CGACACTGTGGACAGGTTAAACGGTTGATCCCCAGCTGTTCTGAATAAATGTCCTGGGAG-3'
Protein context (NP_038478.2, residues 57-77): DQPFNLSTVS[Ser67Cys]AFPMVSHPVF

ClinVar aggregate classification (germline): Uncertain significance (1 of 4 stars; one submission).

gnomAD v4.1: 1 of 1,613,334 alleles (0.000062%); highest among the groups gnomAD compares: Non-Finnish European, 0.000085%; no homozygotes.

Submission:

GeneDx
Classification: Uncertain significance. Last evaluated: 2024-11-22. Review status: criteria provided, single submitter. Criteria: GeneDx Variant Classification Process June 2021. Collection method: clinical testing. Allele origin: germline. Affected: yes.
Comment: Not observed at significant frequency in large population cohorts (gnomAD); In silico analysis supports that this missense variant has a deleterious effect on protein structure/function; Has not been previously published as pathogenic or benign to our knowledge